The following is an entry in ClinVar:

NM_004408.4(DNM1):c.2391C>T (p.Gly797=)

Gene: DNM1 (dynamin 1; plus strand). Cytogenetic location: 9q34.11.
Variant type: single nucleotide variant.
Coding change: c.2391C>T on transcript NM_004408.4 (MANE Select); coding-DNA position 2391, C replaced by T.
Protein change: p.Gly797=; no amino-acid change (glycine 797 retained).
Molecular consequence: synonymous variant.
Genome position (GRCh38, 1-based): chr9:128,250,797, C>T. VCF-style: chr9-128250797-C-T. GRCh37 (hg19) VCF-style: chr9-131013076-C-T.
Other names: c.2391C>T, p.Gly797= (NM_001005336.3, NM_001288737.2, NM_001288738.2 and 1 more transcripts).
Identifiers: ClinVar variation 384393 (VCV000384393.10), dbSNP rs1057521943, ClinGen allele CA16605498.

ClinVar aggregate classification (germline): Likely benign. Review status: criteria provided, multiple submitters, no conflicts (2 of 4 stars). 3 submissions from 3 submitters: Likely benign (3). Last evaluated 2023-09-06.

Conditions:
Developmental and epileptic encephalopathy, 31A. Also called: Epileptic encephalopathy, early infantile, 31; Developmental and epileptic encephalopathy, 31. Identifiers: Orphanet 2382, MedGen C4225357, MONDO:0014598, OMIM 616346.

gnomAD v4.1: 2 of 1,357,512 alleles (0.00015%); highest among the groups gnomAD compares: African/African-American, 0.0015%; no homozygotes.

Submissions (3):

Blueprint Genetics
Classification: Likely benign. Last evaluated: 2023-09-06. Review status: criteria provided, single submitter. Criteria: ACMG Guidelines, 2015. Collection method: clinical testing. Allele origin: germline.

Labcorp Genetics (formerly Invitae), Labcorp
Classification: Likely benign for Developmental and epileptic encephalopathy, 31A. Last evaluated: 2023-08-10. Review status: criteria provided, single submitter. Criteria: Invitae Variant Classification Sherloc (09022015). Collection method: clinical testing. Allele origin: germline.

GeneDx
Classification: Likely benign. Last evaluated: 2016-03-12. Review status: criteria provided, single submitter. Criteria: GeneDx Variant Classification (06012015). Collection method: clinical testing. Allele origin: germline. Affected: yes.
Comment: This variant is considered likely benign or benign based on one or more of the following criteria: it is a conservative change, it occurs at a poorly conserved position in the protein, it is predicted to be benign by multiple in silico algorithms, and/or has population frequency not consistent with disease.